The following is an entry in ClinVar:

ClinVar aggregate classification (germline): Likely pathogenic (1 of 4 stars; one submission).

Submission:

Labcorp Genetics (formerly Invitae), Labcorp
Classification: Likely pathogenic. Last evaluated: 2025-01-27. Review status: criteria provided, single submitter. Criteria: Invitae Variant Classification Sherloc (09022015). Collection method: clinical testing. Allele origin: germline.
Comment: This sequence change affects a donor splice site in intron 10 of the ABCA1 gene. It is expected to disrupt RNA splicing. Variants that disrupt the donor or acceptor splice site typically lead to a loss of protein function (PMID: 16199547), and loss-of-function variants in ABCA1 are known to be pathogenic (PMID: 10525055, 10760292, 20880529). This variant is not present in population databases (gnomAD no frequency). This variant has not been reported in the literature in individuals affected with ABCA1-related conditions. Algorithms developed to predict the effect of sequence changes on RNA splicing suggest that this variant may disrupt the consensus splice site. In summary, the currently available evidence indicates that the variant is pathogenic, but additional data are needed to prove that conclusively. Therefore, this variant has been classified as Likely Pathogenic.

Literature cited by the submitters: PubMed 16199547; PubMed 10525055; PubMed 10760292; PubMed 20880529.

NM_005502.4(ABCA1):c.1194+1G>A

Gene: ABCA1 (ATP binding cassette subfamily A member 1; minus strand). Cytogenetic location: 9q31.1.
Variant type: single nucleotide variant.
Coding change: c.1194+1G>A on transcript NM_005502.4 (MANE Select); the canonical splice donor site of the intron after coding-DNA position 1194, G replaced by A.
Molecular consequence: splice donor variant.
Genome position (GRCh38, 1-based): chr9:104,837,427, C>T on the plus strand (G>A on the coding strand, the complement: ABCA1 is on the minus strand). VCF-style: chr9-104837427-C-T. GRCh37 (hg19) VCF-style: chr9-107599708-C-T.
Identifiers: ClinVar variation 3729642 (VCV003729642.2).
Genomic context (GRCh38, chr9:104,837,427, plus strand): 5'-TTTTTTGCCCCCAGTTCTGGGGAGATTCTGGGGAGGGAGTCTTGGGCTGGGGGCAGCTTA[C>T]CTCAGCCATGACCTGCCTTGTGGCTGGAGTGTCAGGTGTATACAGGATCTTCCCAACGAG-3'